The following is an entry in ClinVar:

ClinVar aggregate classification (germline): Likely pathogenic (1 of 4 stars; one submission).

Conditions:
Developmental delay with or without intellectual impairment or behavioral abnormalities. Identifiers: MedGen C5562004, MONDO:0859199, OMIM 619575.

Submission:

Institute of Human Genetics, University of Leipzig Medical Center
Classification: Likely pathogenic for Developmental delay with or without intellectual impairment or behavioral abnormalities. Last evaluated: 2024-07-15. Review status: criteria provided, single submitter. Criteria: ACMG Guidelines, 2015. Collection method: clinical testing. Allele origin: unknown. Inheritance: Autosomal dominant inheritance. Affected: yes.
Comment: Criteria applied: PM2,PM5,PP2,PP3

NM_020791.4(TAOK1):c.449G>C (p.Arg150Thr)

Gene: TAOK1 (TAO kinase 1; plus strand). Cytogenetic location: 17q11.2.
Variant type: single nucleotide variant.
Coding change: c.449G>C on transcript NM_020791.4 (MANE Select); coding-DNA position 449, G replaced by C.
Protein change: p.Arg150Thr; replaces arginine 150 with threonine.
Molecular consequence: missense variant.
Genome position (GRCh38, 1-based): chr17:29,478,347, G>C. VCF-style: chr17-29478347-G-C. GRCh37 (hg19) VCF-style: chr17-27805365-G-C.
Other names: c.449G>C, p.Arg150Thr (NM_025142.1); short protein forms R150T.
Identifiers: ClinVar variation 3359006 (VCV003359006.2).